The following is an entry in ClinVar:

ClinVar aggregate classification (germline): Conflicting classifications of pathogenicity. Review status: criteria provided, conflicting classifications (1 of 4 stars). 5 submissions from 5 submitters: Likely pathogenic (3); Uncertain significance (2). Last evaluated 2026-06-03.

Conditions:
Cardiovascular phenotype. Identifiers: MedGen CN230736.
Atrial septal defect 5 (ASD5). Identifiers: Orphanet 1478, MedGen C2748552, MONDO:0013011, OMIM 612794.
Hypertrophic cardiomyopathy 11. Also called: ACTC1-Related Familial Hypertrophic Cardiomyopathy. Identifiers: MedGen C2677506, MONDO:0012799, OMIM 612098.
Dilated cardiomyopathy 1R (CMD1R). Identifiers: Orphanet 154, Orphanet 54260, MedGen C3150681, MONDO:0013261, OMIM 613424.

Submissions (5):

Ambry Genetics
Classification: Likely pathogenic for Cardiovascular phenotype. Last evaluated: 2026-06-03. Review status: criteria provided, single submitter. Criteria: Ambry Variant Classification Scheme 2023. Collection method: clinical testing. Allele origin: germline.
Comment: The p.R212H variant (also known as c.635G>A), located in coding exon 4 of the ACTC1 gene, results from a G to A substitution at nucleotide position 635. The arginine at codon 212 is replaced by histidine, an amino acid with highly similar properties. This variant was reported in individual(s) with features consistent with ACTC1-related cardiomyopathy; in at least one individual, it was determined to be de novo (Meng L et al. JAMA Pediatr, 2017 Dec;171:e173438; Hirono K et al. J Clin Med, 2020 Mar;9: Ambry internal data; external communication). This missense variant is located in a region that has a low rate of benign missense variation (Lek M et al. Nature. 2016 Aug 18;536(7616):285-91; DECIPHER: Database of Chromosomal Imbalance and Phenotype in Humans using Ensembl Resources. Firth H.V. et al. 2009. Am.J.Hum.Genet. 84, 524-533 (DOI)). In addition, this variant lies in a characteristically sensitive region; however, the role of this residue in protein function has not been characterized (Ambry Internal Data; Ducka AM et al. Proc. Natl. Acad. Sci. U.S.A. 2010 Jun;107(26):11757-62). This amino acid position is highly conserved in available vertebrate species. In addition, this alteration is predicted to be deleterious by in silico analysis. This variant is considered to be rare based on population cohorts in the Genome Aggregation Database (gnomAD). Based on the majority of available evidence to date, this variant is likely to be pathogenic.

GeneDx
Classification: Uncertain significance. Last evaluated: 2025-01-31. Review status: criteria provided, single submitter. Criteria: GeneDx Variant Classification Process June 2021. Collection method: clinical testing. Allele origin: germline. Affected: yes.
Comment: Not observed at significant frequency in large population cohorts (gnomAD); In silico analysis, which includes protein predictors and evolutionary conservation, supports a deleterious effect; This variant is associated with the following publications: (PMID: 28973083, 33309763, 33500567, 36129056, 32183154, 32600061)

Labcorp Genetics (formerly Invitae), Labcorp
Classification: Likely pathogenic for Dilated cardiomyopathy 1R; Hypertrophic cardiomyopathy 11; Atrial septal defect 5. Last evaluated: 2024-12-09. Review status: criteria provided, single submitter. Criteria: Invitae Variant Classification Sherloc (09022015). Collection method: clinical testing. Allele origin: germline.
Comment: This sequence change replaces arginine, which is basic and polar, with histidine, which is basic and polar, at codon 212 of the ACTC1 protein (p.Arg212His). This variant is not present in population databases (gnomAD no frequency). This missense change has been observed in individual(s) with dilated cardiomyopathy and/or left ventricular noncompaction cardiomyopathy (PMID: 28973083, 33309763, 33500567; internal data). In at least one individual the variant was observed to be de novo. ClinVar contains an entry for this variant (Variation ID: 45186). Invitae Evidence Modeling of protein sequence and biophysical properties (such as structural, functional, and spatial information, amino acid conservation, physicochemical variation, residue mobility, and thermodynamic stability) indicates that this missense variant is not expected to disrupt ACTC1 protein function with a negative predictive value of 80%. In summary, the currently available evidence indicates that the variant is pathogenic, but additional data are needed to prove that conclusively. Therefore, this variant has been classified as Likely Pathogenic.

Baylor Genetics
Classification: Likely pathogenic for Dilated cardiomyopathy 1R. Last evaluated: 2019-10-20. Review status: criteria provided, single submitter. Criteria: ACMG Guidelines, 2015. Collection method: clinical testing. Allele origin: unknown. Affected: yes.
Comment: This variant was determined to be likely pathogenic according to ACMG Guidelines, 2015 [PMID:25741868].

Laboratory for Molecular Medicine, Mass General Brigham Personalized Medicine
Classification: Uncertain significance. Last evaluated: 2016-03-31. Review status: criteria provided, single submitter. Criteria: LMM Criteria. Collection method: clinical testing. Allele origin: germline. Observed: 1 variant allele.
Comment: proposed classification - variant undergoing re-assessment, contact laboratory

Literature cited by the submitters: PubMed 28973083 (cited by Ambry Genetics and Labcorp Genetics (formerly Invitae), Labcorp); PubMed 29447731 (cited by Ambry Genetics); PubMed 32183154 (cited by Ambry Genetics); PubMed 33309763 (cited by Labcorp Genetics (formerly Invitae), Labcorp); PubMed 33500567 (cited by Labcorp Genetics (formerly Invitae), Labcorp).

NM_005159.5(ACTC1):c.635G>A (p.Arg212His)

Genes: ACTC1 (actin alpha cardiac muscle 1; minus strand), GJD2-DT (GJD2 divergent transcript; plus strand). Cytogenetic location: 15q14.
Variant type: single nucleotide variant.
Coding change: c.635G>A on transcript NM_005159.5 (MANE Select); coding-DNA position 635, G replaced by A.
Protein change: p.Arg212His; replaces arginine 212 with histidine.
Molecular consequence: missense variant.
Genome position (GRCh38, 1-based): chr15:34,792,263, C>T on the plus strand (G>A on the coding strand, the complement: ACTC1 is on the minus strand). VCF-style: chr15-34792263-C-T. GRCh37 (hg19) VCF-style: chr15-35084464-C-T.
Other names: short protein forms R212H.
Identifiers: ClinVar variation 45186 (VCV000045186.19), dbSNP rs397517067, ClinGen allele CA019865.